The following is an entry in ClinVar:

ClinVar aggregate classification (germline): Uncertain significance (1 of 4 stars; one submission).

Conditions:
Rhabdoid tumor predisposition syndrome 2 (RTPS2). Identifiers: Orphanet 231108, Orphanet 69077, MedGen C2750074, MONDO:0013224, OMIM 613325.

Submission:

Labcorp Genetics (formerly Invitae), Labcorp
Classification: Uncertain significance for Rhabdoid tumor predisposition syndrome 2. Last evaluated: 2024-02-19. Review status: criteria provided, single submitter. Criteria: Invitae Variant Classification Sherloc (09022015). Collection method: clinical testing. Allele origin: germline.
Comment: This sequence change replaces methionine, which is neutral and non-polar, with isoleucine, which is neutral and non-polar, at codon 1305 of the SMARCA4 protein (p.Met1305Ile). This variant is not present in population databases (gnomAD no frequency). This variant has not been reported in the literature in individuals affected with SMARCA4-related conditions. Advanced modeling of protein sequence and biophysical properties (such as structural, functional, and spatial information, amino acid conservation, physicochemical variation, residue mobility, and thermodynamic stability) performed at Invitae indicates that this missense variant is expected to disrupt SMARCA4 protein function with a positive predictive value of 80%. In summary, the available evidence is currently insufficient to determine the role of this variant in disease. Therefore, it has been classified as a Variant of Uncertain Significance.

NM_003072.5(SMARCA4):c.3915G>T (p.Met1305Ile)

Gene: SMARCA4 (SWI/SNF related BAF chromatin remodeling complex subunit ATPase 4; plus strand). Cytogenetic location: 19p13.2.
Variant type: single nucleotide variant.
Coding change: c.3915G>T on transcript NM_003072.5 (MANE Select); coding-DNA position 3915, G replaced by T.
Protein change: p.Met1305Ile; replaces methionine 1305 with isoleucine.
Molecular consequence: missense variant. On other transcripts: non-coding transcript variant (1).
Genome position (GRCh38, 1-based): chr19:11,034,164, G>T. VCF-style: chr19-11034164-G-T. GRCh37 (hg19) VCF-style: chr19-11144840-G-T.
Other names: c.3915G>T, p.Met1305Ile (NM_001128844.3, NM_001128849.3, NM_001387283.1); c.3816G>T, p.Met1272Ile (NM_001128845.2, NM_001128846.2, NM_001128847.4 and 3 more transcripts); short protein forms M1305I, M1272I.
Identifiers: ClinVar variation 3636884 (VCV003636884.2).